The following is an entry in ClinVar:

ClinVar aggregate classification (germline): Conflicting classifications of pathogenicity. Review status: criteria provided, conflicting classifications (1 of 4 stars). 6 submissions from 6 submitters: Uncertain significance (5); Likely benign (1). Last evaluated 2025-08-27.

Conditions:
Catecholaminergic polymorphic ventricular tachycardia (CVPT). Also called: Catecholamine-induced polymorphic ventricular tachycardia. Identifiers: Orphanet 3286, MedGen C5574922, MONDO:0017990.
Cardiovascular phenotype. Identifiers: MedGen CN230736.
Cardiomyopathy (CMYO). Also called: Cardiomyopathies. Identifiers: Orphanet 167848, MedGen C0878544, MONDO:0004994, HP:0001638. Inheritance: Various modes of inheritance.
Catecholaminergic polymorphic ventricular tachycardia 1. Also called: RYR2-Related Catecholaminergic Polymorphic Ventricular Tachycardia; VENTRICULAR TACHYCARDIA, CATECHOLAMINERGIC POLYMORPHIC, 1, WITH OR WITHOUT ATRIAL DYSFUNCTION AND/OR DILATED CARDIOMYOPATHY; VENTRICULAR TACHYCARDIA, STRESS-INDUCED POLYMORPHIC 1. Identifiers: Orphanet 3286, MedGen C1631597, MONDO:0011484, OMIM 604772.

Allele frequency attached by ClinVar (database versions not stated): gnomAD 0.00001; TOPMed 0.00001; gnomAD exomes 0.00003; ExAC 0.00014.

Submissions (6):

Color Diagnostics, LLC DBA Color Health
Classification: Uncertain significance for Cardiomyopathy. Last evaluated: 2025-08-27. Review status: criteria provided, single submitter. Criteria: ACMG Guidelines, 2015. Collection method: clinical testing. Allele origin: germline.
Comment: This missense variant replaces glycine with serine at codon 7 of the RYR2 protein. Computational prediction is inconclusive regarding the impact of this variant on protein structure and function. To our knowledge, functional studies have not been reported for this variant. This variant has been reported in an individual affected with idiopathic bradyarrhythmia (PMID: 36070930). This variant has not been identified in the general population by the Genome Aggregation Database (gnomAD). The available evidence is insufficient to determine the role of this variant in disease conclusively. Therefore, this variant is classified as a Variant of Uncertain Significance.

Labcorp Genetics (formerly Invitae), Labcorp
Classification: Uncertain significance for Catecholaminergic polymorphic ventricular tachycardia 1. Last evaluated: 2024-12-04. Review status: criteria provided, single submitter. Criteria: Invitae Variant Classification Sherloc (09022015). Collection method: clinical testing. Allele origin: germline.
Comment: This sequence change replaces glycine, which is neutral and non-polar, with serine, which is neutral and polar, at codon 7 of the RYR2 protein (p.Gly7Ser). The frequency data for this variant in the population databases is considered unreliable, as metrics indicate poor data quality at this position in the gnomAD database. This missense change has been observed in individual(s) with clinical features of RYR2-related conditions (PMID: 36070930). ClinVar contains an entry for this variant (Variation ID: 201287). Invitae Evidence Modeling of protein sequence and biophysical properties (such as structural, functional, and spatial information, amino acid conservation, physicochemical variation, residue mobility, and thermodynamic stability) indicates that this missense variant is expected to disrupt RYR2 protein function with a positive predictive value of 95%. In summary, the available evidence is currently insufficient to determine the role of this variant in disease. Therefore, it has been classified as a Variant of Uncertain Significance.

All of Us Research Program, National Institutes of Health
Classification: Uncertain significance for Catecholaminergic polymorphic ventricular tachycardia. Last evaluated: 2024-09-23. Review status: criteria provided, single submitter. Criteria: ACMG Guidelines, 2015. Collection method: clinical testing. Allele origin: germline. Inheritance: Autosomal dominant inheritance. Observed: 6 variant alleles, 6 heterozygotes.
Comment: This missense variant replaces glycine with serine at codon 7 of the RYR2 protein. Computational prediction is inconclusive regarding the impact of this variant on protein structure and function (internally defined REVEL score threshold 0.5 < inconclusive < 0.7, PMID: 27666373). To our knowledge, functional studies have not been reported for this variant. This variant has been reported in an individual affected with idiopathic bradyarrhythmia (PMID: 36070930). This variant has not been identified in the general population by the Genome Aggregation Database (gnomAD). The available evidence is insufficient to determine the role of this variant in disease conclusively. Therefore, this variant is classified as a Variant of Uncertain Significance.

This study involves interpretation of variants in research participants for the purpose of population health screening. Participant phenotype was not available at the time of variant classification. Additional details can be found in publication PMID: 35346344, PMCID: PMC8962531

Ambry Genetics
Classification: Uncertain significance for Cardiovascular phenotype. Last evaluated: 2024-06-03. Review status: criteria provided, single submitter. Criteria: Ambry Variant Classification Scheme 2023. Collection method: clinical testing. Allele origin: germline.
Comment: The p.G7S variant (also known as c.19G>A), located in coding exon 1 of the RYR2 gene, results from a G to A substitution at nucleotide position 19. The glycine at codon 7 is replaced by serine, an amino acid with similar properties. This alteration has been reported in sudden unexplained death cohort (Hata Y et al. Circ J, 2022 Dec;87:111-119; Takahashi Y et al. Int J Legal Med, 2023 Nov;137:1927-1937). This amino acid position is highly conserved in available vertebrate species. In addition, the in silico prediction for this alteration is inconclusive. Based on the available evidence, the clinical significance of this variant remains unclear.

Women's Health and Genetics/Laboratory Corporation of America, LabCorp
Classification: Likely benign. Last evaluated: 2023-05-16. Review status: criteria provided, single submitter. Criteria: LabCorp Variant Classification Summary - May 2015. Collection method: clinical testing. Allele origin: germline.
Comment: Variant summary: RYR2 c.19G>A (p.Gly7Ser) results in a non-conservative amino acid change in the encoded protein sequence. Three of five in-silico tools predict a damaging effect of the variant on protein function. The variant allele was found at a frequency of 0.0008 in 114678 control chromosomes (gnomAD and jMorp databases (Tadaka_2021)). The observed variant frequency is approximately 13.37 fold of the estimated maximal expected allele frequency for a pathogenic variant in RYR2 causing Arrhythmia phenotype (6e-05), strongly suggesting that the variant is benign. c.19G>A has been reported in the literature in an individual affected with Dravet syndrome (e.g., Hammer_2017) and an individual affected with sinus node dysfunction (e.g., Hata_2023), however without strong evidence for causality in either case. These reports therefore do not provide unequivocal conclusions about association of the variant with Arrhythmia. To our knowledge, no experimental evidence demonstrating an impact on protein function has been reported. The following publications have been ascertained in the context of this evaluation (PMID: 28686619, 33179747, 36070930). Four ClinVar submitters (evaluation after 2014) have cited the variant, and all laboratories classified the variant as uncertain significance. Based on the evidence outlined above, the variant was classified as likely benign.

GeneDx
Classification: Uncertain significance. Last evaluated: 2019-05-01. Review status: criteria provided, single submitter. Criteria: GeneDx Variant Classification Process June 2021. Collection method: clinical testing. Allele origin: germline. Affected: yes.
Comment: Not observed in large population cohorts (Lek et al., 2016); Is not located in one of the three hot-spot regions of the RYR2 gene, where the majority of pathogenic missense variants occur (Medeiros-Domingo et al., 2009); In silico analysis, which includes protein predictors and evolutionary conservation, supports that this variant does not alter protein structure/function; This variant is associated with the following publications: (PMID: 28686619)

Literature cited by the submitters: PubMed 36070930 (cited by 5 submitters); PubMed 37328711 (cited by Ambry Genetics); PubMed 28686619 (cited by Women's Health and Genetics/Laboratory Corporation of America, LabCorp); PubMed 33179747 (cited by Women's Health and Genetics/Laboratory Corporation of America, LabCorp).

NM_001035.3(RYR2):c.19G>A (p.Gly7Ser)

Gene: RYR2 (ryanodine receptor 2; plus strand). Cytogenetic location: 1q43.
Variant type: single nucleotide variant.
Coding change: c.19G>A on transcript NM_001035.3 (MANE Select); coding-DNA position 19, G replaced by A.
Protein change: p.Gly7Ser; replaces glycine 7 with serine.
Molecular consequence: missense variant.
Genome position (GRCh38, 1-based): chr1:237,042,540, G>A. VCF-style: chr1-237042540-G-A. GRCh37 (hg19) VCF-style: chr1-237205840-G-A.
Other names: p.G7S:GGC>AGC; c.19G>A, p.Gly7Ser (LRG_402t1); short protein forms G7S.
Identifiers: ClinVar variation 201287 (VCV000201287.22), dbSNP rs779910353, ClinGen allele CA008658.
Genomic context (GRCh38, chr1:237,042,540, plus strand): 5'-CGCGGGGCTCGGGAGCCGGCCCCGGCGAGGAGGCGCGGAACCATGGCCGATGGGGGCGAG[G>A]GCGAAGACGAGATCCAGTTCCTGCGAACTGTAAGCGCCGTGCGTCGCGTGTGCTGTCAGG-3'
Protein context (NP_001026.2, residues 1-17): MADGGE[Gly7Ser]EDEIQFLRTD